The following is an entry in ClinVar:

ClinVar aggregate classification (germline): Uncertain significance (1 of 4 stars; one submission).

Conditions:
Susceptibility to respiratory infections associated with CD8alpha chain mutation (IMD116). Also called: Cd8 deficiency, familial; IMMUNODEFICIENCY 116. Identifiers: Orphanet 169085, MedGen C1837065, MONDO:0012161, OMIM 608957.

Submission:

Labcorp Genetics (formerly Invitae), Labcorp
Classification: Uncertain significance for Susceptibility to respiratory infections associated with CD8alpha chain mutation. Last evaluated: 2019-12-06. Review status: criteria provided, single submitter. Criteria: Invitae Variant Classification Sherloc (09022015). Collection method: clinical testing. Allele origin: germline.
Comment: In summary, the available evidence is currently insufficient to determine the role of this variant in disease. Therefore, it has been classified as a Variant of Uncertain Significance. Algorithms developed to predict the effect of missense changes on protein structure and function output the following: SIFT: "Tolerated"; PolyPhen-2: "Not available"; Align-GVGD: "Class C0". The serine amino acid residue is found in multiple mammalian species, suggesting that this missense change does not adversely affect protein function. These predictions have not been confirmed by published functional studies and their clinical significance is uncertain. This variant has not been reported in the literature in individuals with CD8A-related conditions. The frequency data for this variant in the population databases is considered unreliable, as metrics indicate insufficient coverage at this position in the ExAC database. This sequence change replaces leucine with serine at codon 3 of the CD8A protein (p.Leu3Ser). The leucine residue is weakly conserved and there is a large physicochemical difference between leucine and serine.

NM_001768.7(CD8A):c.8T>C (p.Leu3Ser)

Gene: CD8A (CD8 subunit alpha; minus strand). Cytogenetic location: 2p11.2.
Variant type: single nucleotide variant.
Coding change: c.8T>C on transcript NM_001768.7 (MANE Select); coding-DNA position 8, T replaced by C.
Protein change: p.Leu3Ser; replaces leucine 3 with serine.
Molecular consequence: missense variant. On other transcripts: non-coding transcript variant (3).
Genome position (GRCh38, 1-based): chr2:86,790,818, A>G on the plus strand (T>C on the coding strand, the complement: CD8A is on the minus strand). VCF-style: chr2-86790818-A-G. GRCh37 (hg19) VCF-style: chr2-87017941-A-G.
Other names: c.8T>C, p.Leu3Ser (NM_001145873.1, NM_001382698.1, NM_171827.4); short protein forms L3S.
Identifiers: ClinVar variation 837869 (VCV000837869.10), dbSNP rs1673268223, ClinGen allele CA347577513.